The following is an entry in ClinVar:

ClinVar aggregate classification (germline): Uncertain significance (0 of 4 stars; one submission).

Conditions:
CEP164-related disorder. Also called: CEP164-related condition.

gnomAD v4.1: 4 of 1,614,136 alleles (0.00025%); highest among the groups gnomAD compares: Admixed American, 0.0033%; no homozygotes.

Submission:

PreventionGenetics, part of Exact Sciences
Classification: Uncertain significance for CEP164-related condition. Last evaluated: 2024-09-10. Review status: no assertion criteria provided. Collection method: clinical testing. Allele origin: germline.
Comment: The CEP164 c.4298C>T variant is predicted to result in the amino acid substitution p.Ser1433Leu. To our knowledge, this variant has not been reported in the literature or in a large population database, indicating this variant is rare. At this time, the clinical significance of this variant is uncertain due to the absence of conclusive functional and genetic evidence.

NM_014956.5(CEP164):c.4298C>T (p.Ser1433Leu)

Gene: CEP164 (centrosomal protein 164; plus strand). Cytogenetic location: 11q23.3.
Variant type: single nucleotide variant.
Coding change: c.4298C>T on transcript NM_014956.5 (MANE Select); coding-DNA position 4298, C replaced by T.
Protein change: p.Ser1433Leu; replaces serine 1433 with leucine.
Molecular consequence: missense variant.
Genome position (GRCh38, 1-based): chr11:117,412,083, C>T. VCF-style: chr11-117412083-C-T. GRCh37 (hg19) VCF-style: chr11-117282799-C-T.
Other names: c.4283C>T, p.Ser1428Leu (NM_001271933.2); short protein forms S1428L, S1433L.
Identifiers: ClinVar variation 3346600 (VCV003346600.1).